The following is an entry in ClinVar:

NM_001134363.3(RBM20):c.1150G>A (p.Glu384Lys)

Gene: RBM20 (RNA binding motif protein 20; plus strand). Cytogenetic location: 10q25.2.
Variant type: single nucleotide variant.
Coding change: c.1150G>A on transcript NM_001134363.3 (MANE Select); coding-DNA position 1150, G replaced by A.
Protein change: p.Glu384Lys; replaces glutamic acid 384 with lysine.
Molecular consequence: missense variant.
Genome position (GRCh38, 1-based): chr10:110,781,759, G>A. VCF-style: chr10-110781759-G-A. GRCh37 (hg19) VCF-style: chr10-112541517-G-A.
Other names: short protein forms E384K.
Identifiers: ClinVar variation 3787510 (VCV003787510.1).

ClinVar aggregate classification (germline): Uncertain significance (1 of 4 stars; one submission).

Conditions:
Cardiovascular phenotype. Identifiers: MedGen CN230736.

gnomAD v4.1: 1 of 1,551,874 alleles (0.000064%); highest among the groups gnomAD compares: Non-Finnish European, 0.000087%; no homozygotes.

Submission:

Ambry Genetics
Classification: Uncertain significance for Cardiovascular phenotype. Last evaluated: 2025-01-11. Review status: criteria provided, single submitter. Criteria: Ambry Variant Classification Scheme 2023. Collection method: clinical testing. Allele origin: germline.
Comment: The p.E384K variant (also known as c.1150G>A), located in coding exon 2 of the RBM20 gene, results from a G to A substitution at nucleotide position 1150. The glutamic acid at codon 384 is replaced by lysine, an amino acid with similar properties. This amino acid position is conserved. In addition, the in silico prediction for this alteration is inconclusive. Based on the available evidence, the clinical significance of this variant remains unclear.